The following is an entry in ClinVar:

NM_001458.5(FLNC):c.3054C>T (p.Gly1018=)

Gene: FLNC (filamin C; plus strand). Cytogenetic location: 7q32.1.
Variant type: single nucleotide variant.
Coding change: c.3054C>T on transcript NM_001458.5 (MANE Select); coding-DNA position 3054, C replaced by T.
Protein change: p.Gly1018=; no amino-acid change (glycine 1018 retained).
Molecular consequence: synonymous variant.
Genome position (GRCh38, 1-based): chr7:128,844,128, C>T. VCF-style: chr7-128844128-C-T. GRCh37 (hg19) VCF-style: chr7-128484182-C-T.
Other names: c.3054C>T, p.Gly1018= (NM_001127487.2).
Identifiers: ClinVar variation 195476 (VCV000195476.47), dbSNP rs769624093, ClinGen allele CA241918.

ClinVar aggregate classification (germline): Conflicting classifications of pathogenicity. Review status: criteria provided, conflicting classifications (1 of 4 stars). 5 submissions from 5 submitters: Uncertain significance (1); Likely benign (4). Last evaluated 2025-12-01.

Conditions:
Distal myopathy with posterior leg and anterior hand involvement. Also called: WILLIAMS DISTAL MYOPATHY. Identifiers: Orphanet 63273, MedGen C3279722, MONDO:0013550, OMIM 614065.
Myofibrillar myopathy 5. Also called: Filaminopathy (type); FILAMINOPATHY, AUTOSOMAL DOMINANT. Identifiers: Orphanet 171445, MedGen C1836050, MONDO:0012289, OMIM 609524.
Hypertrophic cardiomyopathy 26. Also called: Cardiomyopathy, familial hypertrophic, 26. Identifiers: Orphanet 75249, MedGen C4310749, MONDO:0014883, OMIM 617047.
Cardiovascular phenotype. Identifiers: MedGen CN230736.

Allele frequency attached by ClinVar (database versions not stated): gnomAD 0.00001; TOPMed 0.00001.
gnomAD v4.1: 22 of 1,613,812 alleles (0.0014%); highest among the groups gnomAD compares: African/African-American, 0.0027%; no homozygotes.

Submissions (5):

Labcorp Genetics (formerly Invitae), Labcorp
Classification: Likely benign for Distal myopathy with posterior leg and anterior hand involvement; Myofibrillar myopathy 5; Hypertrophic cardiomyopathy 26. Last evaluated: 2025-12-01. Review status: criteria provided, single submitter. Criteria: Invitae Variant Classification Sherloc (09022015). Collection method: clinical testing. Allele origin: germline.

CeGaT Center for Human Genetics Tuebingen
Classification: Likely benign. Last evaluated: 2023-08-01. Review status: criteria provided, single submitter. Criteria: CeGaT Center For Human Genetics Tuebingen Variant Classification Criteria Version 2. Collection method: clinical testing. Allele origin: germline. Affected: yes. Observed: 1 variant allele.
Comment: FLNC: BP4, BP7

Ambry Genetics
Classification: Likely benign for Cardiovascular phenotype. Last evaluated: 2021-04-26. Review status: criteria provided, single submitter. Criteria: Ambry Variant Classification Scheme 2023. Collection method: clinical testing. Allele origin: germline.

GeneDx
Classification: Likely benign. Last evaluated: 2021-01-18. Review status: criteria provided, single submitter. Criteria: GeneDx Variant Classification Process June 2021. Collection method: clinical testing. Allele origin: germline. Affected: yes.
Comment: See Variant Classification Assertion Criteria.

Eurofins Ntd Llc (ga)
Classification: Uncertain significance. Last evaluated: 2014-08-25. Review status: criteria provided, single submitter. Criteria: EGL Classification Definitions 2015. Collection method: clinical testing. Allele origin: germline. Observed: 1 variant allele, 1 heterozygote.